The following is an entry in ClinVar:

NM_001252024.2(TRPM1):c.3782G>A (p.Arg1261Lys)

Gene: TRPM1 (transient receptor potential cation channel subfamily M member 1; minus strand). Cytogenetic location: 15q13.3.
Variant type: single nucleotide variant.
Coding change: c.3782G>A on transcript NM_001252024.2 (MANE Select); coding-DNA position 3782, G replaced by A.
Protein change: p.Arg1261Lys; replaces arginine 1261 with lysine.
Molecular consequence: missense variant.
Genome position (GRCh38, 1-based): chr15:31,002,918, C>T on the plus strand (G>A on the coding strand, the complement: TRPM1 is on the minus strand). VCF-style: chr15-31002918-C-T. GRCh37 (hg19) VCF-style: chr15-31295121-C-T.
Other names: c.3833G>A, p.Arg1278Lys (NM_001252020.2); c.3716G>A, p.Arg1239Lys (NM_002420.6); short protein forms R1261K, R1239K, R1278K.
Identifiers: ClinVar variation 1500164 (VCV001500164.6), dbSNP rs963302971, ClinGen allele CA267497423.
Genomic context (GRCh38, chr15:31,002,918, plus strand): 5'-AGAAGATACGTTGCCTCACATTCAGAAGAAGCCCGGGACCGTGCCTGGATCAGGTCAGAC[C>T]TGTCGATTCCCGCAAGATTTTCAAGAGCATTCACCATTCTGTTAGATAATTCTTCTAGCT-3'
Protein context (NP_001238953.1, residues 1251-1271): NALENLAGID[Arg1261Lys]SDLIQARSRA

ClinVar aggregate classification (germline): Uncertain significance (1 of 4 stars; one submission).

Submission:

Labcorp Genetics (formerly Invitae), Labcorp
Classification: Uncertain significance. Last evaluated: 2021-11-15. Review status: criteria provided, single submitter. Criteria: Invitae Variant Classification Sherloc (09022015). Collection method: clinical testing. Allele origin: germline.
Comment: In summary, the available evidence is currently insufficient to determine the role of this variant in disease. Therefore, it has been classified as a Variant of Uncertain Significance. Algorithms developed to predict the effect of missense changes on protein structure and function output the following: SIFT: "Tolerated"; PolyPhen-2: "Benign"; Align-GVGD: "Class C0". The lysine amino acid residue is found in multiple mammalian species, which suggests that this missense change does not adversely affect protein function. This variant has not been reported in the literature in individuals affected with TRPM1-related conditions. This variant is not present in population databases (gnomAD no frequency). This sequence change replaces arginine, which is basic and polar, with lysine, which is basic and polar, at codon 1239 of the TRPM1 protein (p.Arg1239Lys).